The following is an entry in ClinVar:

NC_000009.12:g.35657809A>T

Gene: RMRP (RNA component of mitochondrial RNA processing endoribonuclease; minus strand). Cytogenetic location: 9p13.3.
Variant type: single nucleotide variant.
Genome position: GRCh38 VCF-style: chr9-35657809-A-T. GRCh37 (hg19) VCF-style: chr9-35657806-A-T.
Identifiers: ClinVar variation 1896713 (VCV001896713.4), dbSNP rs1324099168, ClinGen allele CA464450537.

ClinVar aggregate classification (germline): Uncertain significance (1 of 4 stars; one submission).

Conditions:
Anauxetic dysplasia. Identifiers: Orphanet 93347, MedGen C1846796, MONDO:0011773.

Allele frequency attached by ClinVar (database versions not stated): gnomAD 0.00001.
gnomAD v4.1: 2 of 692,468 alleles (0.00029%); highest among the groups gnomAD compares: Non-Finnish European, 0.00052%; no homozygotes.

Submission:

Labcorp Genetics (formerly Invitae), Labcorp
Classification: Uncertain significance for Anauxetic dysplasia. Last evaluated: 2024-12-05. Review status: criteria provided, single submitter. Criteria: Invitae Variant Classification Sherloc (09022015). Collection method: clinical testing. Allele origin: germline.
Comment: This variant occurs in the RMRP gene, which encodes an RNA molecule that does not result in a protein product. This variant is not present in population databases (gnomAD no frequency). This variant has not been reported in the literature in individuals affected with RMRP-related conditions. ClinVar contains an entry for this variant (Variation ID: 1896713). Experimental studies and prediction algorithms are not available or were not evaluated, and the functional significance of this variant is currently unknown. In summary, the available evidence is currently insufficient to determine the role of this variant in disease. Therefore, it has been classified as a Variant of Uncertain Significance.